The following is an entry in ClinVar:

NM_001159699.2(FHL1):c.380-49C>T

Gene: FHL1 (four and a half LIM domains 1; plus strand). Cytogenetic location: Xq26.3.
Variant type: single nucleotide variant.
Coding change: c.380-49C>T on transcript NM_001159699.2 (MANE Select); 49 bases into the intron before coding-DNA position 380, C replaced by T.
Molecular consequence: intron variant.
Genome position (GRCh38, 1-based): chrX:136,207,743, C>T. VCF-style: chrX-136207743-C-T. GRCh37 (hg19) VCF-style: chrX-135289902-C-T.
Other names: c.332-49C>T (NM_001159702.3, NM_001449.5, NM_001159703.2 and 9 more transcripts); c.419-49C>T (NM_001159701.2); c.380-49C>T (NM_001330659.2).
Identifiers: ClinVar variation 679011 (VCV000679011.2), dbSNP rs28764019, ClinGen allele CA10524993.

ClinVar aggregate classification (germline): Benign. Review status: criteria provided, multiple submitters, no conflicts (2 of 4 stars). 2 submissions from 2 submitters: Benign (2). Last evaluated 2018-06-16.

Allele frequency attached by ClinVar (database versions not stated): gnomAD exomes 0.00795; ExAC 0.01006; gnomAD 0.02606 and 0.02789; TOPMed 0.03153; 1000 Genomes Project 0.03179; 1000 Genomes Project 30x 0.03226; ESP Exome Variant Server 0.03408.
gnomAD v4.1: 6,291 of 1,192,505 alleles (0.53%); highest among the groups gnomAD compares: African/African-American, 9.1%; 193 homozygotes.

Submissions (2):

GeneDx
Classification: Benign. Last evaluated: 2018-06-16. Review status: criteria provided, single submitter. Criteria: GeneDx Variant Classification (06012015). Collection method: clinical testing. Allele origin: germline. Affected: yes.
Comment: This variant is considered likely benign or benign based on one or more of the following criteria: it is a conservative change, it occurs at a poorly conserved position in the protein, it is predicted to be benign by multiple in silico algorithms, and/or has population frequency not consistent with disease.

Breakthrough Genomics
Classification: Benign. Review status: criteria provided, single submitter. Criteria: ACMG Guidelines, 2015. Collection method: not provided. Allele origin: germline. Inheritance: X-linked inheritance. Affected: yes.